The following is an entry in ClinVar:

ClinVar aggregate classification (germline): Uncertain significance (1 of 4 stars; one submission).

gnomAD v4.1: 1 of 1,614,200 alleles (0.000062%); highest among the groups gnomAD compares: South Asian, 0.0011%; no homozygotes.

Submission:

GeneDx
Classification: Uncertain significance. Last evaluated: 2022-10-13. Review status: criteria provided, single submitter. Criteria: GeneDx Variant Classification Process June 2021. Collection method: clinical testing. Allele origin: germline. Affected: yes.
Comment: Not observed at significant frequency in large population cohorts (gnomAD); In silico analysis supports that this missense variant does not alter protein structure/function; Has not been previously published as pathogenic or benign to our knowledge

NM_181552.4(CUX1):c.3313C>G (p.Pro1105Ala)

Gene: CUX1 (cut like homeobox 1; plus strand). Cytogenetic location: 7q22.1.
Variant type: single nucleotide variant.
Coding change: c.3313C>G on transcript NM_181552.4 (MANE Select); coding-DNA position 3313, C replaced by G.
Protein change: p.Pro1105Ala; replaces proline 1105 with alanine.
Molecular consequence: missense variant. On other transcripts: intron variant (5).
Genome position (GRCh38, 1-based): chr7:102,227,549, C>G. VCF-style: chr7-102227549-C-G. GRCh37 (hg19) VCF-style: chr7-101870829-C-G.
Other names: c.3346C>G, p.Pro1116Ala (NM_001202543.2); c.1255+31946C>G (NM_001913.5); c.1249+31946C>G (NM_181500.4); c.1117+31946C>G (NM_001202545.3); c.1207+31946C>G (NM_001202544.3); c.1138+31946C>G (NM_001202546.3); short protein forms P1105A, P1116A.
Identifiers: ClinVar variation 2499275 (VCV002499275.1), dbSNP rs2485985833, ClinGen allele CA368694691.